The following is an entry in ClinVar:

ClinVar aggregate classification (germline): Likely pathogenic (1 of 4 stars; one submission).

Conditions:
SRRM2-related disorder. Also called: SRRM2-related condition.

Submission:

PreventionGenetics, part of Exact Sciences
Classification: Likely pathogenic for SRRM2-related condition. Last evaluated: 2023-09-26. Review status: criteria provided, single submitter. Criteria: ACMG Guidelines, 2015. Collection method: clinical testing. Allele origin: germline.
Comment: The SRRM2 c.3004C>T variant is predicted to result in premature protein termination (p.Gln1002*). To our knowledge, this variant has not been reported in the literature or in a large population database, indicating this variant is rare. Nonsense variants in SRRM2 are expected to be pathogenic. This variant is interpreted as likely pathogenic.

NM_016333.4(SRRM2):c.3004C>T (p.Gln1002Ter)

Gene: SRRM2 (serine/arginine repetitive matrix 2; plus strand). Cytogenetic location: 16p13.3.
Variant type: single nucleotide variant.
Coding change: c.3004C>T on transcript NM_016333.4 (MANE Select); coding-DNA position 3004, C replaced by T.
Protein change: p.Gln1002Ter; replaces glutamine 1002 with a stop codon.
Molecular consequence: nonsense.
Genome position (GRCh38, 1-based): chr16:2,763,532, C>T. VCF-style: chr16-2763532-C-T. GRCh37 (hg19) VCF-style: chr16-2813533-C-T.
Other names: short protein forms Q1002*.
Identifiers: ClinVar variation 2633956 (VCV002633956.1), dbSNP rs2505606471, ClinGen allele CA394412383.